The following is an entry in ClinVar:

NM_004609.4(TCF15):c.369C>T (p.His123=)

Gene: TCF15 (transcription factor 15; minus strand). Cytogenetic location: 20p13.
Variant type: single nucleotide variant.
Coding change: c.369C>T on transcript NM_004609.4 (MANE Select); coding-DNA position 369, C replaced by T.
Protein change: p.His123=; no amino-acid change (histidine 123 retained).
Molecular consequence: synonymous variant.
Genome position (GRCh38, 1-based): chr20:609,869, G>A on the plus strand (C>T on the coding strand, the complement: TCF15 is on the minus strand). VCF-style: chr20-609869-G-A. GRCh37 (hg19) VCF-style: chr20-590513-G-A.
Identifiers: ClinVar variation 4873512 (VCV004873512.2).

ClinVar aggregate classification (germline): Likely benign (1 of 4 stars; one submission).

gnomAD v4.1: 28 of 1,527,818 alleles (0.0018%); highest among the groups gnomAD compares: East Asian, 0.043%; no homozygotes.

Submission:

CeGaT Center for Human Genetics Tuebingen
Classification: Likely benign. Last evaluated: 2026-05-01. Review status: criteria provided, single submitter. Criteria: CeGaT Center For Human Genetics Tuebingen Variant Classification Criteria Version 2. Collection method: clinical testing. Allele origin: germline. Affected: yes. Observed: 1 variant allele.
Comment: TCF15: BP4, BP7